The following is an entry in ClinVar:

ClinVar aggregate classification (germline): Uncertain significance (1 of 4 stars; one submission).

Conditions:
Peutz-Jeghers syndrome (PJS). Also called: POLYPOSIS, HAMARTOMATOUS INTESTINAL; POLYPS-AND-SPOTS SYNDROME; Peutz-Jeghers polyposis; Periorificial lentiginosis syndrome. Identifiers: Orphanet 2869, MedGen C0031269, MeSH D010580, MONDO:0008280, OMIM 175200.

Submission:

Labcorp Genetics (formerly Invitae), Labcorp
Classification: Uncertain significance for Peutz-Jeghers syndrome. Last evaluated: 2020-04-17. Review status: criteria provided, single submitter. Criteria: Invitae Variant Classification Sherloc (09022015). Collection method: clinical testing. Allele origin: germline.
Comment: This sequence change replaces valine with alanine at codon 116 of the STK11 protein (p.Val116Ala). The valine residue is highly conserved and there is a small physicochemical difference between valine and alanine. This variant is not present in population databases (ExAC no frequency). This variant has not been reported in the literature in individuals with STK11-related conditions. Algorithms developed to predict the effect of missense changes on protein structure and function are either unavailable or do not agree on the potential impact of this missense change (SIFT: "Deleterious"; PolyPhen-2: "Probably Damaging"; Align-GVGD: "Class C15"). In summary, the available evidence is currently insufficient to determine the role of this variant in disease. Therefore, it has been classified as a Variant of Uncertain Significance.

NM_000455.5(STK11):c.347T>C (p.Val116Ala)

Gene: STK11 (serine/threonine kinase 11; plus strand). Cytogenetic location: 19p13.3.
Variant type: single nucleotide variant.
Coding change: c.347T>C on transcript NM_000455.5 (MANE Select); coding-DNA position 347, T replaced by C.
Protein change: p.Val116Ala; replaces valine 116 with alanine.
Molecular consequence: missense variant.
Genome position (GRCh38, 1-based): chr19:1,218,473, T>C. VCF-style: chr19-1218473-T-C. GRCh37 (hg19) VCF-style: chr19-1218472-T-C.
Other names: short protein forms V116A.
Identifiers: ClinVar variation 649719 (VCV000649719.8), dbSNP rs1599924608, ClinGen allele CA402947807.